The following is an entry in ClinVar:

NM_016592.5(GNAS):c.327C>T (p.Tyr109=)

Genes: GNAS-AS1 (GNAS antisense RNA 1; minus strand), GNAS (GNAS complex locus; plus strand). Cytogenetic location: 20q13.32.
Variant type: single nucleotide variant.
Coding change: c.327C>T on transcript NM_016592.5 (MANE Plus Clinical); coding-DNA position 327, C replaced by T.
Protein change: p.Tyr109=; no amino-acid change (tyrosine 109 retained).
Molecular consequence: synonymous variant. On other transcripts: 5 prime UTR variant (1).
Genome position (GRCh38, 1-based): chr20:58,840,433, C>T. VCF-style: chr20-58840433-C-T. GRCh37 (hg19) VCF-style: chr20-57415488-C-T.
Other names: c.-411C>T (NM_001410912.1).
Identifiers: ClinVar variation 3346446 (VCV003346446.1).

ClinVar aggregate classification (germline): Likely benign (0 of 4 stars; one submission).

Conditions:
GNAS-related disorder. Identifiers: MedGen CN380105.

gnomAD v4.1: 3 of 1,613,354 alleles (0.00019%); highest among the groups gnomAD compares: Admixed American, 0.0033%; no homozygotes.

Submission:

PreventionGenetics, part of Exact Sciences
Classification: Likely benign for GNAS-related condition. Last evaluated: 2024-05-17. Review status: no assertion criteria provided. Collection method: clinical testing. Allele origin: germline.
Comment: This variant is classified as likely benign based on ACMG/AMP sequence variant interpretation guidelines (Richards et al. 2015 PMID: 25741868, with internal and published modifications).